The following is an entry in ClinVar:

NM_000278.5(PAX2):c.583C>T (p.Arg195Cys)

Gene: PAX2 (paired box 2; plus strand). Cytogenetic location: 10q24.31.
Variant type: single nucleotide variant.
Coding change: c.583C>T on transcript NM_000278.5 (MANE Select); coding-DNA position 583, C replaced by T.
Protein change: p.Arg195Cys; replaces arginine 195 with cysteine.
Molecular consequence: missense variant.
Genome position (GRCh38, 1-based): chr10:100,781,332, C>T. VCF-style: chr10-100781332-C-T. GRCh37 (hg19) VCF-style: chr10-102541089-C-T.
Other names: c.676C>T, p.Arg226Cys (NM_001304569.2); c.583C>T, p.Arg195Cys (NM_003987.5, NM_003988.5, NM_003989.5 and 1 more transcripts); short protein forms R195C, R226C.
Identifiers: ClinVar variation 3414501 (VCV003414501.3).

ClinVar aggregate classification (germline): Conflicting classifications of pathogenicity. Review status: criteria provided, conflicting classifications (1 of 4 stars). 2 submissions from 2 submitters: Uncertain significance (1); Likely benign (1). Last evaluated 2025-10-12.

Conditions:
Renal coloboma syndrome (PAPRS). Also called: OPTIC COLOBOMA, VESICOURETERAL REFLUX, AND RENAL ANOMALIES; OPTIC NERVE COLOBOMA WITH RENAL DISEASE; RENAL-COLOBOMA SYNDROME WITH MACULAR ABNORMALITIES; PAPILLORENAL SYNDROME WITH MILD OCULAR ABNORMALITIES; CONGENITAL ANOMALIES OF THE KIDNEY AND URINARY TRACT WITH OR WITHOUT OCULAR ABNORMALITIES; CAKUT WITH OR WITHOUT OCULAR ABNORMALITIES. Identifiers: Orphanet 1475, MedGen C1852759, MONDO:0007352, OMIM 120330.
Focal segmental glomerulosclerosis 7 (FSGS7). Identifiers: Orphanet 656, MedGen C4014925, MONDO:0014451, OMIM 616002.
Inborn genetic diseases. Identifiers: MedGen C0950123, MeSH D030342.

gnomAD v4.1: 15 of 1,613,888 alleles (0.00093%); highest among the groups gnomAD compares: East Asian, 0.022%; no homozygotes.

Submissions (2):

Labcorp Genetics (formerly Invitae), Labcorp
Classification: Uncertain significance for Renal coloboma syndrome; Focal segmental glomerulosclerosis 7. Last evaluated: 2025-10-12. Review status: criteria provided, single submitter. Criteria: Invitae Variant Classification Sherloc (09022015). Collection method: clinical testing. Allele origin: germline.
Comment: This sequence change replaces arginine, which is basic and polar, with cysteine, which is neutral and slightly polar, at codon 195 of the PAX2 protein (p.Arg195Cys). This variant is present in population databases (rs759012541, gnomAD 0.05%). This variant has not been reported in the literature in individuals affected with PAX2-related conditions. ClinVar contains an entry for this variant (Variation ID: 3414501). Experimental studies and prediction algorithms are not available or were not evaluated, and the functional significance of this variant is currently unknown. In summary, the available evidence is currently insufficient to determine the role of this variant in disease. Therefore, it has been classified as a Variant of Uncertain Significance.

Ambry Genetics
Classification: Likely benign for Inborn genetic diseases. Last evaluated: 2024-12-03. Review status: criteria provided, single submitter. Criteria: Ambry Variant Classification Scheme 2023. Collection method: clinical testing. Allele origin: germline.